The following is an entry in ClinVar:

NM_152309.3(PIK3AP1):c.1252G>T (p.Val418Leu)

Gene: PIK3AP1 (phosphoinositide-3-kinase adaptor protein 1; minus strand). Cytogenetic location: 10q24.1.
Variant type: single nucleotide variant.
Coding change: c.1252G>T on transcript NM_152309.3 (MANE Select); coding-DNA position 1252, G replaced by T.
Protein change: p.Val418Leu; replaces valine 418 with leucine.
Molecular consequence: missense variant.
Genome position (GRCh38, 1-based): chr10:96,645,596, C>A on the plus strand (G>T on the coding strand, the complement: PIK3AP1 is on the minus strand). VCF-style: chr10-96645596-C-A. GRCh37 (hg19) VCF-style: chr10-98405353-C-A.
Other names: short protein forms V418L.
Identifiers: ClinVar variation 1715597 (VCV001715597.5), dbSNP rs562166763, ClinGen allele CA212587577.
Genomic context (GRCh38, chr10:96,645,596, plus strand): 5'-CGGGGTTGAGCGAGCATTTCATAAGCAGGTCTGTGGAAAGGTGGGCCATGGACTCGTACA[C>A]AGCATCAGCCTCCTCCCCGTGCATCAGTTCCTCTTTAATGTGACTCTTGAGCATGTCCAC-3'
Protein context (NP_689522.2, residues 408-428): ELMHGEEADA[Val418Leu]YESMAHLSTD

ClinVar aggregate classification (germline): Uncertain significance (1 of 4 stars; one submission).

Conditions:
Infantile spasms. Also called: Infantile spasm. Identifiers: MedGen C3887898, HP:0012469.

gnomAD v4.1: 1 of 1,613,262 alleles (0.000062%); highest among the groups gnomAD compares: Admixed American, 0.0017%; no homozygotes.

Submission:

Labcorp Genetics (formerly Invitae), Labcorp
Classification: Uncertain significance for Infantile spasms. Last evaluated: 2022-08-12. Review status: criteria provided, single submitter. Criteria: Invitae Variant Classification Sherloc (09022015). Collection method: clinical testing. Allele origin: germline.
Comment: In summary, the available evidence is currently insufficient to determine the role of this variant in disease. Therefore, it has been classified as a Variant of Uncertain Significance. Algorithms developed to predict the effect of missense changes on protein structure and function are either unavailable or do not agree on the potential impact of this missense change (SIFT: "Tolerated"; PolyPhen-2: "Possibly Damaging"; Align-GVGD: "Class C0"). This variant has not been reported in the literature in individuals affected with PIK3AP1-related conditions. This variant is present in population databases (rs562166763, gnomAD 0.003%). This sequence change replaces valine, which is neutral and non-polar, with leucine, which is neutral and non-polar, at codon 418 of the PIK3AP1 protein (p.Val418Leu).